The following is an entry in ClinVar:

ClinVar aggregate classification (germline): Uncertain significance (1 of 4 stars; one submission).

Conditions:
Cystic fibrosis (CF). Also called: MUCOVISCIDOSIS. Identifiers: Orphanet 586, MedGen C0010674, MONDO:0009061, OMIM 219700. Disease mechanism: loss of function.

Submission:

Institute of Human Genetics, University of Leipzig Medical Center
Classification: Uncertain significance for Cystic fibrosis. Last evaluated: 2023-07-26. Review status: criteria provided, single submitter. Criteria: ACMG Guidelines, 2015. Collection method: curation. Allele origin: unknown. Affected: yes. Observed: 1 variant allele.
Comment: This variant was classified based on the report of 1 patient with a clinically confirmed diagnosis of cystic fibrosis in the context of re-classifying variants in the German Cystic Fibrosis Registry (Muko e.V.). Patients have not been seen personally, but only reports were evaluated. Criteria applied:PS1_SUP, PM2_SUP, PP3

NM_000492.4(CFTR):c.869+5G>C

Gene: CFTR (CF transmembrane conductance regulator; plus strand). Cytogenetic location: 7q31.2.
Variant type: single nucleotide variant.
Coding change: c.869+5G>C on transcript NM_000492.4 (MANE Select); 5 bases into the intron after coding-DNA position 869, G replaced by C.
Molecular consequence: intron variant.
Genome position (GRCh38, 1-based): chr7:117,536,678, G>C. VCF-style: chr7-117536678-G-C. GRCh37 (hg19) VCF-style: chr7-117176732-G-C.
Identifiers: ClinVar variation 2579740 (VCV002579740.1), dbSNP rs533959068, ClinGen allele CA2580617912.